The following is an entry in ClinVar:

ClinVar aggregate classification (germline): Likely pathogenic (1 of 4 stars; one submission).

Conditions:
Supravalvar aortic stenosis (SVAS). Also called: Supravalvar aortic stenosis, Eisenberg type. Identifiers: Orphanet 3193, MedGen C0003499, MONDO:0008504, OMIM 185500, HP:0004381.

Submission:

Labcorp Genetics (formerly Invitae), Labcorp
Classification: Likely pathogenic for Supravalvar aortic stenosis. Last evaluated: 2026-02-02. Review status: criteria provided, single submitter. Criteria: Invitae Variant Classification Sherloc (09022015). Collection method: clinical testing. Allele origin: germline.
Comment: This sequence change affects a donor splice site in intron 27 of the ELN gene. It is expected to disrupt RNA splicing. Variants that disrupt the donor or acceptor splice site typically lead to a loss of protein function (PMID: 16199547), and loss-of-function variants in ELN are known to be pathogenic (PMID: 11175284). This variant is not present in population databases (gnomAD no frequency). This variant has not been reported in the literature in individuals affected with ELN-related conditions. Algorithms developed to predict the effect of sequence changes on RNA splicing suggest that this variant may disrupt the consensus splice site. In summary, the currently available evidence indicates that the variant is pathogenic, but additional data are needed to prove that conclusively. Therefore, this variant has been classified as Likely Pathogenic.

Literature cited by the submitters: PubMed 16199547; PubMed 11175284.

NM_000501.4(ELN):c.1786+1G>A

Genes: ELN (elastin; plus strand), ELN-AS1 (ELN antisense RNA 1; minus strand). Cytogenetic location: 7q11.23.
Variant type: single nucleotide variant.
Coding change: c.1786+1G>A on transcript NM_000501.4 (MANE Select); the canonical splice donor site of the intron after coding-DNA position 1786, G replaced by A.
Molecular consequence: splice donor variant.
Genome position (GRCh38, 1-based): chr7:74,061,140, G>A. VCF-style: chr7-74061140-G-A. GRCh37 (hg19) VCF-style: chr7-73475470-G-A.
Other names: c.1801+1G>A (NM_001081754.3); c.1744+1G>A (NM_001081753.3); c.1972+1G>A (NM_001278939.2); c.1804+1G>A (NM_001278915.2); c.1786+1G>A (NM_001278912.2); c.1729+1G>A (NM_001081755.3); c.1642+1G>A (NM_001278916.2); c.1543+1G>A (NM_001278913.2); and 4 more.
Identifiers: ClinVar variation 4767277 (VCV004767277.1).